The following is an entry in ClinVar:

NM_003659.4(AGPS):c.207A>G (p.Ala69=)

Gene: AGPS (alkylglycerone phosphate synthase; plus strand). Cytogenetic location: 2q31.2.
Variant type: single nucleotide variant.
Coding change: c.207A>G on transcript NM_003659.4 (MANE Select); coding-DNA position 207, A replaced by G.
Protein change: p.Ala69=; no amino-acid change (alanine 69 retained).
Molecular consequence: synonymous variant.
Genome position (GRCh38, 1-based): chr2:177,392,996, A>G. VCF-style: chr2-177392996-A-G. GRCh37 (hg19) VCF-style: chr2-178257724-A-G.
Other names: p.Ala69=.
Identifiers: ClinVar variation 157712 (VCV000157712.30), dbSNP rs34744592, ClinGen allele CA171098.

ClinVar aggregate classification (germline): Benign. Review status: criteria provided, multiple submitters, no conflicts (2 of 4 stars). 8 submissions from 8 submitters: Benign (6). 2 of the submissions do not count toward it. Last evaluated 2026-02-02.

Conditions:
Rhizomelic chondrodysplasia punctata (RCDP). Identifiers: Orphanet 177, MedGen C0282529, MONDO:0015776. Disease mechanism: loss of function.
Rhizomelic chondrodysplasia punctata type 3 (RCDP3). Also called: Alkylglycerone Phosphate Synthase (AGPS) deficiency; ALKYLDIHYDROXYACETONEPHOSPHATE SYNTHASE DEFICIENCY. Identifiers: Orphanet 177, Orphanet 309803, MedGen C1838612, MONDO:0010823, OMIM 600121. Disease mechanism: loss of function.

Allele frequency attached by ClinVar (database versions not stated): ESP Exome Variant Server 0.01230; gnomAD exomes 0.01266 and 0.01827; gnomAD 0.02410 and 0.02446; TOPMed 0.02507; 1000 Genomes Project 0.03355; 1000 Genomes Project 30x 0.03560; ExAC 0.03839.
gnomAD v4.1: 21,547 of 1,550,126 alleles (1.4%); highest among the groups gnomAD compares: African/African-American, 6%; 404 homozygotes.

Submissions (8):

Labcorp Genetics (formerly Invitae), Labcorp
Classification: Benign. Last evaluated: 2026-02-02. Review status: criteria provided, single submitter. Criteria: Invitae Variant Classification Sherloc (09022015). Collection method: clinical testing. Allele origin: germline.

ARUP Laboratories, Molecular Genetics and Genomics, ARUP Laboratories
Classification: Benign for Rhizomelic chondrodysplasia punctata type 3. Last evaluated: 2025-06-24. Review status: criteria provided, single submitter. Criteria: ARUP Molecular Germline Variant Investigation Process 2024. Collection method: clinical testing. Allele origin: germline.

Illumina Laboratory Services, Illumina
Classification: Benign for Rhizomelic chondrodysplasia punctata type 3. Last evaluated: 2018-01-13. Review status: criteria provided, single submitter. Criteria: ICSL Variant Classification Criteria 13 December 2019. Collection method: clinical testing. Allele origin: germline.
Comment: This variant was observed in the ICSL laboratory as part of a predisposition screen in an ostensibly healthy population. It had not been previously curated by ICSL or reported in the Human Gene Mutation Database (HGMD: prior to June 1st, 2018), and was therefore a candidate for classification through an automated scoring system. Utilizing variant allele frequency, disease prevalence and penetrance estimates, and inheritance mode, an automated score was calculated to assess if this variant is too frequent to cause the disease. Based on the score and internal cut-off values, a variant classified as benign is not then subjected to further curation. The score for this variant resulted in a classification of benign for this disease.

GeneDx
Classification: Benign. Last evaluated: 2016-10-24. Review status: criteria provided, single submitter. Criteria: GeneDx Variant Classification (06012015). Collection method: clinical testing. Allele origin: germline. Affected: yes.
Comment: This variant is considered likely benign or benign based on one or more of the following criteria: it is a conservative change, it occurs at a poorly conserved position in the protein, it is predicted to be benign by multiple in silico algorithms, and/or has population frequency not consistent with disease.

Mayo Clinic Laboratories, Mayo Clinic
Classification: Benign. Last evaluated: 2016-07-27. Review status: criteria provided, single submitter. Criteria: ACMG Guidelines, 2015. Collection method: clinical testing. Allele origin: germline. Observed: 1 variant allele.

Breakthrough Genomics
Classification: Benign. Review status: criteria provided, single submitter. Criteria: ACMG Guidelines, 2015. Collection method: not provided. Allele origin: germline. Inheritance: Autosomal recessive inheritance. Affected: yes.

Natera, Inc.
Classification: Benign for Rhizomelic chondrodysplasia punctata. Last evaluated: 2020-09-16. Review status: no assertion criteria provided. Collection method: clinical testing. Allele origin: germline. Not counted in ClinVar's aggregate classification.

Genetic Services Laboratory, University of Chicago
Classification: Likely benign. Review status: no assertion criteria provided. Collection method: clinical testing. Allele origin: germline. Inheritance: Autosomal recessive inheritance. Not counted in ClinVar's aggregate classification.
Comment: Likely benign based on allele frequency in 1000 Genomes Project or ESP global frequency and its presence in a patient with a rare or unrelated disease phenotype. NOT Sanger confirmed